The following is an entry in ClinVar:

ClinVar aggregate classification (germline): Uncertain significance (1 of 4 stars; one submission).

Conditions:
Familial hemophagocytic lymphohistiocytosis 4 (FHL4). Also called: STX11-Related Familial Hemophagocytic Lymphohistiocytosis (STX11-fHLH). Identifiers: Orphanet 540, MedGen C1863728, MONDO:0011336, OMIM 603552.

Allele frequency attached by ClinVar (database versions not stated): gnomAD exomes below 0.00001.

Submission:

Labcorp Genetics (formerly Invitae), Labcorp
Classification: Uncertain significance for Familial hemophagocytic lymphohistiocytosis 4. Last evaluated: 2022-05-04. Review status: criteria provided, single submitter. Criteria: Invitae Variant Classification Sherloc (09022015). Collection method: clinical testing. Allele origin: germline.
Comment: This variant is present in population databases (no rsID available, gnomAD 0.0009%). This sequence change replaces arginine, which is basic and polar, with proline, which is neutral and non-polar, at codon 129 of the STX11 protein (p.Arg129Pro). In summary, the available evidence is currently insufficient to determine the role of this variant in disease. Therefore, it has been classified as a Variant of Uncertain Significance. Algorithms developed to predict the effect of missense changes on protein structure and function are either unavailable or do not agree on the potential impact of this missense change (SIFT: "Tolerated"; PolyPhen-2: "Probably Damaging"; Align-GVGD: "Class C0"). This variant has not been reported in the literature in individuals affected with STX11-related conditions.

NM_003764.4(STX11):c.386G>C (p.Arg129Pro)

Gene: STX11 (syntaxin 11; plus strand). Cytogenetic location: 6q24.2.
Variant type: single nucleotide variant.
Coding change: c.386G>C on transcript NM_003764.4 (MANE Select); coding-DNA position 386, G replaced by C.
Protein change: p.Arg129Pro; replaces arginine 129 with proline.
Molecular consequence: missense variant.
Genome position (GRCh38, 1-based): chr6:144,187,013, G>C. VCF-style: chr6-144187013-G-C. GRCh37 (hg19) VCF-style: chr6-144508150-G-C.
Other names: short protein forms R129P.
Identifiers: ClinVar variation 1951725 (VCV001951725.5), dbSNP rs1231989334, ClinGen allele CA365949128.